The following is an entry in ClinVar:

ClinVar aggregate classification (germline): Likely benign. Review status: criteria provided, multiple submitters, no conflicts (2 of 4 stars). 2 submissions from 2 submitters: Likely benign (2). Last evaluated 2018-06-16.

Allele frequency attached by ClinVar (database versions not stated): 1000 Genomes Project 0.01038; gnomAD 0.01071 and 0.01173; 1000 Genomes Project 30x 0.01109; TOPMed 0.01191.
gnomAD v4.1: 1,610 of 152,300 alleles (1.1%); highest among the groups gnomAD compares: African/African-American, 3.7%; 37 homozygotes.

Submissions (2):

GeneDx
Classification: Likely benign. Last evaluated: 2018-06-16. Review status: criteria provided, single submitter. Criteria: GeneDx Variant Classification (06012015). Collection method: clinical testing. Allele origin: germline. Affected: yes.
Comment: This variant is considered likely benign or benign based on one or more of the following criteria: it is a conservative change, it occurs at a poorly conserved position in the protein, it is predicted to be benign by multiple in silico algorithms, and/or has population frequency not consistent with disease.

Breakthrough Genomics
Classification: Likely benign. Review status: criteria provided, single submitter. Criteria: ACMG Guidelines, 2015. Collection method: not provided. Allele origin: germline. Inheritance: Autosomal recessive inheritance. Affected: yes.

NM_080916.3(DGUOK):c.591+154G>A

Gene: DGUOK (deoxyguanosine kinase; plus strand). Cytogenetic location: 2p13.1.
Variant type: single nucleotide variant.
Coding change: c.591+154G>A on transcript NM_080916.3 (MANE Select); 154 bases into the intron after coding-DNA position 591, G replaced by A.
Molecular consequence: intron variant.
Genome position (GRCh38, 1-based): chr2:73,950,886, G>A. VCF-style: chr2-73950886-G-A. GRCh37 (hg19) VCF-style: chr2-74178013-G-A.
Other names: c.300+154G>A (NM_001318861.2, NM_001318860.2); c.282+154G>A (NM_001318862.2, NM_001318863.2); c.443+3980G>A (NM_080918.3); c.425+3998G>A (NM_001318859.2).
Identifiers: ClinVar variation 673686 (VCV000673686.2), dbSNP rs76524689, ClinGen allele CA50408318.